The following is an entry in ClinVar:

NM_006361.6(HOXB13):c.767C>G (p.Ser256Trp)

Gene: HOXB13 (homeobox B13; minus strand). Cytogenetic location: 17q21.32.
Variant type: single nucleotide variant.
Coding change: c.767C>G on transcript NM_006361.6 (MANE Select); coding-DNA position 767, C replaced by G.
Protein change: p.Ser256Trp; replaces serine 256 with tryptophan.
Molecular consequence: missense variant.
Genome position (GRCh38, 1-based): chr17:48,726,878, G>C on the plus strand (C>G on the coding strand, the complement: HOXB13 is on the minus strand). VCF-style: chr17-48726878-G-C. GRCh37 (hg19) VCF-style: chr17-46804240-G-C.
Other names: short protein forms S256W.
Identifiers: ClinVar variation 691193 (VCV000691193.3), dbSNP rs1555558453, ClinGen allele CA400105926.

ClinVar aggregate classification (germline): Uncertain significance. Review status: criteria provided, single submitter (1 of 4 stars). 2 submissions from 2 submitters: Uncertain significance (1). 1 of the submissions does not count toward it. Last evaluated 2026-07-26.

Conditions:
Prostate cancer, hereditary, 1 (HPC1). Identifiers: Orphanet 1331, MedGen C4722327, MONDO:0011098, OMIM 601518.
Hereditary cancer-predisposing syndrome. Also called: Tumor predisposition; Hereditary Cancer Syndrome; Neoplastic Syndromes, Hereditary; Hereditary neoplastic syndrome. Identifiers: Orphanet 140162, MedGen C0027672, MeSH D009386, MONDO:0015356.

Submissions (2):

Ambry Genetics
Classification: Uncertain significance for Hereditary cancer-predisposing syndrome. Last evaluated: 2026-07-26. Review status: criteria provided, single submitter. Criteria: Ambry Variant Classification Scheme 2023. Collection method: clinical testing. Allele origin: germline.
Comment: The p.S256W variant (also known as c.767C>G), located in coding exon 2 of the HOXB13 gene, results from a C to G substitution at nucleotide position 767. The serine at codon 256 is replaced by tryptophan, an amino acid with highly dissimilar properties. This amino acid position is conserved. In addition, this alteration is predicted to be deleterious by in silico analysis. Based on the available evidence, the clinical significance of this variant remains unclear.

Laboratory of Virology, Microbiology,  Quality and Medical Biotechnologies, Faculty of Sciences and Techniques - Mohammedia, Hassan II University of Casablanca
Classification: Uncertain significance for Prostate cancer, hereditary, 1. Review status: no assertion criteria provided. Collection method: clinical testing. Allele origin: somatic. Affected: yes. Not counted in ClinVar's aggregate classification.